The following is an entry in ClinVar:

ClinVar aggregate classification (germline): Conflicting classifications of pathogenicity. Review status: criteria provided, conflicting classifications (1 of 4 stars). 3 submissions from 3 submitters: Uncertain significance (2); Likely benign (1). Last evaluated 2025-08-15.

Conditions:
Inborn genetic diseases. Identifiers: MedGen C0950123, MeSH D030342.

Allele frequency attached by ClinVar (database versions not stated): TOPMed 0.00001; gnomAD 0.00001; gnomAD exomes 0.00001.
gnomAD v4.1: 9 of 1,555,242 alleles (0.00058%); highest among the groups gnomAD compares: African/African-American, 0.0027%; no homozygotes.

Submissions (3):

Labcorp Genetics (formerly Invitae), Labcorp
Classification: Likely benign. Last evaluated: 2025-08-15. Review status: criteria provided, single submitter. Criteria: Invitae Variant Classification Sherloc (09022015). Collection method: clinical testing. Allele origin: germline.

Ambry Genetics
Classification: Uncertain significance for Inborn genetic diseases. Last evaluated: 2025-01-09. Review status: criteria provided, single submitter. Criteria: Ambry Variant Classification Scheme 2023. Collection method: clinical testing. Allele origin: germline.

GeneDx
Classification: Uncertain significance. Last evaluated: 2023-12-21. Review status: criteria provided, single submitter. Criteria: GeneDx Variant Classification Process June 2021. Collection method: clinical testing. Allele origin: germline. Affected: yes.
Comment: In silico analysis supports that this missense variant does not alter protein structure/function; Has not been previously published as pathogenic or benign to our knowledge

NM_005993.5(TBCD):c.2369G>A (p.Arg790Gln)

Gene: TBCD (tubulin folding cofactor D). Cytogenetic location: 17q25.3.
Variant type: single nucleotide variant.
Coding change: c.2369G>A on transcript NM_005993.5 (MANE Select); coding-DNA position 2369, G replaced by A.
Protein change: p.Arg790Gln; replaces arginine 790 with glutamine.
Molecular consequence: missense variant.
Genome position (GRCh38, 1-based): chr17:82,925,047, G>A. VCF-style: chr17-82925047-G-A. GRCh37 (hg19) VCF-style: chr17-80882923-G-A.
Other names: c.2318G>A, p.Arg773Gln (NM_001411101.1); c.2288G>A, p.Arg763Gln (NM_001411102.1); short protein forms R773Q, R763Q, R790Q.
Identifiers: ClinVar variation 2258186 (VCV002258186.7), dbSNP rs761476887, ClinGen allele CA8863025.